The following is an entry in ClinVar:

ClinVar aggregate classification (germline): Pathogenic. Review status: criteria provided, multiple submitters, no conflicts (2 of 4 stars). 2 submissions from 2 submitters: Pathogenic (2). Last evaluated 2023-05-04.

Conditions:
Hereditary cancer-predisposing syndrome. Also called: Neoplastic Syndromes, Hereditary; Tumor predisposition; Hereditary Cancer Syndrome; Hereditary neoplastic syndrome. Identifiers: Orphanet 140162, MedGen C0027672, MeSH D009386, MONDO:0015356.
Familial adenomatous polyposis 1 (FAP1). Also called: FAMILIAL ADENOMATOUS POLYPOSIS 1, ATTENUATED; POLYPOSIS, ADENOMATOUS INTESTINAL. Identifiers: MedGen C2713442, MONDO:0021056, OMIM 175100. Disease mechanism: loss of function.

Submissions (2):

Myriad Genetics, Inc.
Classification: Pathogenic for Familial adenomatous polyposis 1. Last evaluated: 2023-05-04. Review status: criteria provided, single submitter. Criteria: Myriad Autosomal Dominant, Autosomal Recessive and X-Linked Classification Criteria (2023). Collection method: clinical testing. Allele origin: unknown.
Comment: This variant is considered pathogenic. This variant creates a termination codon and is predicted to result in premature protein truncation.

Ambry Genetics
Classification: Pathogenic for Hereditary cancer-predisposing syndrome. Last evaluated: 2017-10-17. Review status: criteria provided, single submitter. Criteria: Ambry Variant Classification Scheme 2023. Collection method: clinical testing. Allele origin: germline.
Comment: The p.G721* pathogenic mutation (also known as c.2161G>T), located in coding exon 15 of the APC gene, results from a G to T substitution at nucleotide position 2161. This changes the amino acid from a glycine to a stop codon within coding exon 15. This alteration is expected to result in loss of function by premature protein truncation. As such, this alteration is interpreted as a disease-causing mutation.

NM_000038.6(APC):c.2161G>T (p.Gly721Ter)

Gene: APC (APC regulator of Wnt signaling pathway; plus strand). Cytogenetic location: 5q22.2.
Variant type: single nucleotide variant.
Coding change: c.2161G>T on transcript NM_000038.6 (MANE Select); coding-DNA position 2161, G replaced by T.
Protein change: p.Gly721Ter; replaces glycine 721 with a stop codon.
Molecular consequence: nonsense.
Genome position (GRCh38, 1-based): chr5:112,837,755, G>T. VCF-style: chr5-112837755-G-T. GRCh37 (hg19) VCF-style: chr5-112173452-G-T.
Other names: c.2161G>T, p.Gly721Ter (NM_001127510.3, NM_001354895.2, NM_001407450.1); c.2107G>T, p.Gly703Ter (NM_001127511.3); c.2215G>T, p.Gly739Ter (NM_001354896.2, NM_001407447.1, NM_001407448.1 and 1 more transcripts); c.2191G>T, p.Gly731Ter (NM_001354897.2); c.2086G>T, p.Gly696Ter (NM_001354898.2); c.2077G>T, p.Gly693Ter (NM_001354899.2); c.2038G>T, p.Gly680Ter (NM_001354900.2); c.1984G>T, p.Gly662Ter (NM_001354901.2, NM_001407453.1); and 11 more; short protein forms G561*, G592*, G620*, G662*, G703*, G731*, G595*, G680*.
Identifiers: ClinVar variation 1786925 (VCV001786925.4), dbSNP rs2149862031, ClinGen allele CA16026065.